The following is an entry in ClinVar:

ClinVar aggregate classification (germline): Uncertain significance (1 of 4 stars; one submission).

gnomAD v4.1: 1 of 1,613,676 alleles (0.000062%); highest among the groups gnomAD compares: African/African-American, 0.0013%; no homozygotes.

Submission:

CeGaT Center for Human Genetics Tuebingen
Classification: Uncertain significance. Last evaluated: 2026-08-01. Review status: criteria provided, single submitter. Criteria: CeGaT Center For Human Genetics Tuebingen Variant Classification Criteria Version 2. Collection method: clinical testing. Allele origin: germline. Affected: yes. Observed: 1 variant allele.
Comment: TTN: PM2, BP4

NM_001267550.2(TTN):c.23540T>C (p.Ile7847Thr)

Gene: TTN (titin; minus strand). Cytogenetic location: 2q31.2.
Variant type: single nucleotide variant.
Coding change: c.23540T>C on transcript NM_001267550.2 (MANE Select); coding-DNA position 23540, T replaced by C.
Protein change: p.Ile7847Thr; replaces isoleucine 7847 with threonine.
Molecular consequence: missense variant. On other transcripts: intron variant (3).
Genome position (GRCh38, 1-based): chr2:178,720,102, A>G on the plus strand (T>C on the coding strand, the complement: TTN is on the minus strand). VCF-style: chr2-178720102-A-G. GRCh37 (hg19) VCF-style: chr2-179584829-A-G.
Other names: c.19808T>C, p.Ile6603Thr (NM_133378.4); c.13282+17980T>C (NM_003319.4); c.13858+17980T>C (NM_133437.4); c.13657+17980T>C (NM_133432.3); c.22589T>C, p.Ile7530Thr (NM_001256850.1); short protein forms I6603T, I7530T, I7847T.
Identifiers: ClinVar variation 5039641 (VCV005039641.1).
Genomic context (GRCh38, chr2:178,720,102, plus strand): 5'-ATATATTTTCCAGAATTAGATGCTTCTGGACTCCCCAGCTGGAGGGTTGCAATGTTATCA[A>G]TGAATGAAATCCTGGTATTTTCACTCTCTCTGATGACTTCACCTCTATCTTTCAGCCAGA-3'
Protein context (NP_001254479.2, residues 7837-7857): RESENTRISF[Ile7847Thr]DNIATLQLGS